The following is an entry in ClinVar:

ClinVar aggregate classification (germline): Conflicting classifications of pathogenicity. Review status: criteria provided, conflicting classifications (1 of 4 stars). 3 submissions from 3 submitters: Uncertain significance (2); Likely benign (1). Last evaluated 2024-03-06.

Conditions:
Hereditary nonpolyposis colorectal neoplasms. Identifiers: MedGen C0009405, MeSH D003123.
Hereditary cancer-predisposing syndrome. Also called: Neoplastic Syndromes, Hereditary; Tumor predisposition; Hereditary Cancer Syndrome; Hereditary neoplastic syndrome. Identifiers: Orphanet 140162, MedGen C0027672, MeSH D009386, MONDO:0015356.

gnomAD v4.1: 1 of 1,613,750 alleles (0.000062%); no homozygotes.

Submissions (3):

Color Diagnostics, LLC DBA Color Health
Classification: Uncertain significance for Hereditary cancer-predisposing syndrome. Last evaluated: 2024-03-06. Review status: criteria provided, single submitter. Criteria: ACMG Guidelines, 2015. Collection method: clinical testing. Allele origin: germline.
Comment: This missense variant replaces valine with leucine at codon 828 of the MSH6 protein. Computational prediction suggests that this variant may not impact protein structure and function (internally defined REVEL score threshold <= 0.5, PMID: 27666373). To our knowledge, functional studies have not been reported for this variant. This variant has not been reported in individuals affected with MSH6-related disorders in the literature. This variant has been identified in 1/249020 chromosomes in the general population by the Genome Aggregation Database (gnomAD). The available evidence is insufficient to determine the role of this variant in disease conclusively. Therefore, this variant is classified as a Variant of Uncertain Significance.

Labcorp Genetics (formerly Invitae), Labcorp
Classification: Likely benign for Hereditary nonpolyposis colorectal neoplasms. Last evaluated: 2023-10-03. Review status: criteria provided, single submitter. Criteria: Invitae Variant Classification Sherloc (09022015). Collection method: clinical testing. Allele origin: germline.

Ambry Genetics
Classification: Uncertain significance for Hereditary cancer-predisposing syndrome. Last evaluated: 2023-08-29. Review status: criteria provided, single submitter. Criteria: Ambry Variant Classification Scheme 2023. Collection method: clinical testing. Allele origin: germline.
Comment: The p.V828L variant (also known as c.2482G>C), located in coding exon 4 of the MSH6 gene, results from a G to C substitution at nucleotide position 2482. The valine at codon 828 is replaced by leucine, an amino acid with highly similar properties. This amino acid position is conserved. In addition, this alteration is predicted to be tolerated by in silico analysis. Since supporting evidence is limited at this time, the clinical significance of this alteration remains unclear.

NM_000179.3(MSH6):c.2482G>C (p.Val828Leu)

Gene: MSH6 (mutS homolog 6; plus strand). Cytogenetic location: 2p16.3.
Variant type: single nucleotide variant.
Coding change: c.2482G>C on transcript NM_000179.3 (MANE Select); coding-DNA position 2482, G replaced by C.
Protein change: p.Val828Leu; replaces valine 828 with leucine.
Molecular consequence: missense variant.
Genome position (GRCh38, 1-based): chr2:47,800,465, G>C. VCF-style: chr2-47800465-G-C. GRCh37 (hg19) VCF-style: chr2-48027604-G-C.
Other names: c.2092G>C, p.Val698Leu (NM_001281492.2); c.1576G>C, p.Val526Leu (NM_001281493.2, NM_001281494.2); short protein forms V698L, V828L, V526L.
Identifiers: ClinVar variation 651137 (VCV000651137.12), dbSNP rs587781349, ClinGen allele CA346754178.